The following is an entry in ClinVar:

NM_005477.3(HCN4):c.559G>T (p.Ala187Ser)

Gene: HCN4 (hyperpolarization activated cyclic nucleotide gated potassium channel 4; minus strand). Cytogenetic location: 15q24.1.
Variant type: single nucleotide variant.
Coding change: c.559G>T on transcript NM_005477.3 (MANE Select); coding-DNA position 559, G replaced by T.
Protein change: p.Ala187Ser; replaces alanine 187 with serine.
Molecular consequence: missense variant.
Genome position (GRCh38, 1-based): chr15:73,367,712, C>A on the plus strand (G>T on the coding strand, the complement: HCN4 is on the minus strand). VCF-style: chr15-73367712-C-A. GRCh37 (hg19) VCF-style: chr15-73660053-C-A.
Other names: short protein forms A187S.
Identifiers: ClinVar variation 2036580 (VCV002036580.4), dbSNP rs761571946, ClinGen allele CA393097641.

ClinVar aggregate classification (germline): Uncertain significance (1 of 4 stars; one submission).

Conditions:
Brugada syndrome 8 (BRGDA8). Identifiers: Orphanet 130, MedGen C2751083, MONDO:0013148, OMIM 613123.

Submission:

Labcorp Genetics (formerly Invitae), Labcorp
Classification: Uncertain significance for Brugada syndrome 8. Last evaluated: 2025-10-20. Review status: criteria provided, single submitter. Criteria: Invitae Variant Classification Sherloc (09022015). Collection method: clinical testing. Allele origin: germline.
Comment: This sequence change replaces alanine, which is neutral and non-polar, with serine, which is neutral and polar, at codon 187 of the HCN4 protein (p.Ala187Ser). This variant is not present in population databases (gnomAD no frequency). This variant has not been reported in the literature in individuals affected with HCN4-related conditions. ClinVar contains an entry for this variant (Variation ID: 2036580). Invitae Evidence Modeling of protein sequence and biophysical properties (such as structural, functional, and spatial information, amino acid conservation, physicochemical variation, residue mobility, and thermodynamic stability) indicates that this missense variant is not expected to disrupt HCN4 protein function with a negative predictive value of 95%. In summary, the available evidence is currently insufficient to determine the role of this variant in disease. Therefore, it has been classified as a Variant of Uncertain Significance.